The following is an entry in ClinVar:

ClinVar aggregate classification (germline): Conflicting classifications of pathogenicity. Review status: criteria provided, conflicting classifications (1 of 4 stars). 3 submissions from 3 submitters: Uncertain significance (2); Likely benign (1). Last evaluated 2025-06-08.

gnomAD v4.1: 4 of 1,532,578 alleles (0.00026%); highest among the groups gnomAD compares: Admixed American, 0.0021%; no homozygotes.

Submissions (3):

Labcorp Genetics (formerly Invitae), Labcorp
Classification: Uncertain significance. Last evaluated: 2025-06-08. Review status: criteria provided, single submitter. Criteria: Invitae Variant Classification Sherloc (09022015). Collection method: clinical testing. Allele origin: germline.
Comment: This sequence change replaces proline, which is neutral and non-polar, with alanine, which is neutral and non-polar, at codon 217 of the ARID1A protein (p.Pro217Ala). This variant is not present in population databases (gnomAD no frequency). This variant has not been reported in the literature in individuals affected with ARID1A-related conditions. ClinVar contains an entry for this variant (Variation ID: 1723757). Invitae Evidence Modeling of protein sequence and biophysical properties (such as structural, functional, and spatial information, amino acid conservation, physicochemical variation, residue mobility, and thermodynamic stability) indicates that this missense variant is not expected to disrupt ARID1A protein function with a negative predictive value of 95%. In summary, the available evidence is currently insufficient to determine the role of this variant in disease. Therefore, it has been classified as a Variant of Uncertain Significance.

GeneDx
Classification: Uncertain significance. Last evaluated: 2022-05-10. Review status: criteria provided, single submitter. Criteria: GeneDx Variant Classification Process June 2021. Collection method: clinical testing. Allele origin: germline. Affected: yes.
Comment: Not observed at significant frequency in large population cohorts (gnomAD); In silico analysis supports that this missense variant has a deleterious effect on protein structure/function; Has not been previously published as pathogenic or benign to our knowledge

Blueprint Genetics
Classification: Likely benign. Last evaluated: 2022-01-26. Review status: criteria provided, single submitter. Criteria: ACMG Guidelines, 2015. Collection method: clinical testing. Allele origin: germline.

NM_006015.6(ARID1A):c.649C>G (p.Pro217Ala)

Genes: ARID1A (AT-rich interaction domain 1A; plus strand), LOC129929837 (ATAC-STARR-seq lymphoblastoid silent region 489; plus strand). Cytogenetic location: 1p36.11.
Variant type: single nucleotide variant.
Coding change: c.649C>G on transcript NM_006015.6 (MANE Select); coding-DNA position 649, C replaced by G.
Protein change: p.Pro217Ala; replaces proline 217 with alanine.
Molecular consequence: missense variant.
Genome position (GRCh38, 1-based): chr1:26,697,052, C>G. VCF-style: chr1-26697052-C-G. GRCh37 (hg19) VCF-style: chr1-27023543-C-G.
Other names: c.649C>G, p.Pro217Ala (NM_139135.4); short protein forms P217A.
Identifiers: ClinVar variation 1723757 (VCV001723757.4), dbSNP rs1469429098, ClinGen allele CA339265943.
Genomic context (GRCh38, chr1:26,697,052, plus strand): 5'-GGGCCCCAGCAGAACTCTCACGACCACGGCTTCCCCAACCACCAGTACAACTCCTACTAC[C>G]CCAACCGCAGCGCCTACCCCCCGCCCGCCCCGGCCTACGCGCTGAGCTCCCCGAGAGGTG-3'
Protein context (NP_006006.3, residues 207-227): FPNHQYNSYY[Pro217Ala]NRSAYPPPAP